The following is an entry in ClinVar:

NM_015215.4(CAMTA1):c.2794C>A (p.Leu932Ile)

Gene: CAMTA1 (calmodulin binding transcription activator 1; plus strand). Cytogenetic location: 1p36.23.
Variant type: single nucleotide variant.
Coding change: c.2794C>A on transcript NM_015215.4 (MANE Select); coding-DNA position 2794, C replaced by A.
Protein change: p.Leu932Ile; replaces leucine 932 with isoleucine.
Molecular consequence: missense variant. On other transcripts: 5 prime UTR variant (6).
Genome position (GRCh38, 1-based): chr1:7,677,613, C>A. VCF-style: chr1-7677613-C-A. GRCh37 (hg19) VCF-style: chr1-7737673-C-A.
Other names: c.2704C>A, p.Leu902Ile (NM_001349608.2, NM_001349612.2); c.2794C>A, p.Leu932Ile (NM_001349609.2, NM_001349610.2, NM_001410737.1); c.-135C>A (NM_001349614.1, NM_001349617.1, NM_001349620.1 and 3 more transcripts); c.2722C>A, p.Leu908Ile (NM_001410738.1); short protein forms L902I, L908I, L932I.
Identifiers: ClinVar variation 2577723 (VCV002577723.1), dbSNP rs2524123553, ClinGen allele CA338124041.

ClinVar aggregate classification (germline): Uncertain significance (1 of 4 stars; one submission).

Submission:

GeneDx
Classification: Uncertain significance. Last evaluated: 2023-02-27. Review status: criteria provided, single submitter. Criteria: GeneDx Variant Classification Process June 2021. Collection method: clinical testing. Allele origin: germline. Affected: yes.
Comment: Not observed at significant frequency in large population cohorts (gnomAD); In silico analysis supports that this missense variant does not alter protein structure/function; Has not been previously published as pathogenic or benign to our knowledge